The following is an entry in ClinVar:

ClinVar aggregate classification (germline): Uncertain significance. Review status: criteria provided, multiple submitters, no conflicts (2 of 4 stars). 3 submissions from 3 submitters: Uncertain significance (3). Last evaluated 2026-10-01.

Conditions:
Radioulnar synostosis with amegakaryocytic thrombocytopenia 2 (RUSAT2). Also called: RADIOULNAR SYNOSTOSIS AND AMEGAKARYOCYTIC THROMBOCYTOPENIA 2. Identifiers: Orphanet 71289, MedGen C4225221, MONDO:0014758, OMIM 616738.

Submissions (3):

St. Jude Molecular Pathology, St. Jude Children's Research Hospital
Classification: Uncertain significance for Radioulnar synostosis with amegakaryocytic thrombocytopenia 2. Last evaluated: 2026-10-01. Review status: criteria provided, single submitter. Criteria: St. Jude Assertion Criteria 2020. Collection method: clinical testing. Allele origin: germline.
Comment: The MECOM c.3231_3232delinsTA p.(Met1077_Leu1078delinsIleMet) change results from the deletion and insertion of 2 nucleotides, replacing 2 amino acids with 2 different amino acids. This variant is absent in gnom AD v2.1.1. To our knowledge, this variant has not been reported in individuals with MECOM-associated conditions. In summary, the evidence currently available is insufficient to determine the clinical significance of t his variant. It has therefore been classified as of uncertain significance.

Labcorp Genetics (formerly Invitae), Labcorp
Classification: Uncertain significance. Last evaluated: 2025-09-26. Review status: criteria provided, single submitter. Criteria: Invitae Variant Classification Sherloc (09022015). Collection method: clinical testing. Allele origin: germline.
Comment: This variant, c.3036_3037delinsTA, is a complex sequence change that results in the deletion of 2 and insertion of 2 amino acid(s) in the MECOM protein (p.Met1012_Leu1013delinsIleMet). Information on the frequency of this variant in the gnomAD database is not available, as this variant may be reported differently in the database. This variant has not been reported in the literature in individuals affected with MECOM-related conditions. ClinVar contains an entry for this variant (Variation ID: 2179941). Experimental studies and prediction algorithms are not available or were not evaluated, and the functional significance of this variant is currently unknown. In summary, the available evidence is currently insufficient to determine the role of this variant in disease. Therefore, it has been classified as a Variant of Uncertain Significance.

Genetic Services Laboratory, University of Chicago
Classification: Uncertain significance. Last evaluated: 2023-10-13. Review status: criteria provided, single submitter. Criteria: ACMG Guidelines, 2015. Collection method: clinical testing. Allele origin: germline. Affected: no.
Comment: DNA sequence analysis of the MECOM gene demonstrated a deletion and insertion of two base pairs in exon 16, c.3036_3037delinsTA. This in-frame deletion-insertion results in the deletion of two amino acid residues and the insertion of two amino acid residues, p.Met1012_Leu1013delinsIleMet. This sequence change does not appear to have been previously described in individuals with MECOM-related disorders. Information on the frequency of this variant in the gnomAD database is not available, as this variant may be reported differently in the database. Due to insufficient evidence and the lack of functional studies, the clinical significance of the p.Met1012_Leu1013delinsIleMet change remains unknown at this time.

NM_004991.4(MECOM):c.3600_3601delinsTA (p.Met1200_Leu1201delinsIleMet)

Gene: MECOM (MDS1 and EVI1 complex locus; minus strand). Cytogenetic location: 3q26.2.
Variant type: Indel.
Coding change: c.3600_3601delinsTA on transcript NM_004991.4 (MANE Select); coding-DNA positions 3600 to 3601, GC replaced by TA.
Protein change: p.Met1200_Leu1201delinsIleMet.
Molecular consequence: missense variant.
Genome position (GRCh38, 1-based): chr3:169,085,028-169,085,029, GC replaced by TA on the plus strand (GC replaced by TA on the coding strand, the reverse complement: MECOM is on the minus strand). VCF-style: chr3-169085028-GC-TA. GRCh37 (hg19) VCF-style: chr3-168802816-GC-TA.
Other names: c.3231_3232delinsTA, p.Met1077_Leu1078delinsIleMet (NM_001105077.4); c.3036_3037delinsTA, p.Met1012_Leu1013delinsIleMet (NM_001105078.4, NM_001205194.2, NM_001366469.2 and 1 more transcripts); c.3012_3013delinsTA, p.Met1004_Leu1005delinsIleMet (NM_001163999.2, NM_001366470.2); c.3009_3010delinsTA, p.Met1003_Leu1004delinsIleMet (NM_001164000.2, NM_001366471.2, NM_001366472.2); c.3573_3574delinsTA, p.Met1191_Leu1192delinsIleMet (NM_001366466.2); c.3039_3040delinsTA, p.Met1013_Leu1014delinsIleMet (NM_001366467.2, NM_001366468.2); c.2601_2602delinsTA, p.Met867_Leu868delinsIleMet (NM_001366473.2); c.2037_2038delinsTA, p.Met679_Leu680delinsIleMet (NM_001366474.2); and 2 more.
Identifiers: ClinVar variation 2179941 (VCV002179941.7), dbSNP rs2549111269, ClinGen allele CA2580069051.